The following is an entry in ClinVar:

ClinVar aggregate classification (germline): Uncertain significance (1 of 4 stars; one submission).

Conditions:
Ataxia-telangiectasia syndrome (AT). Also called: LOUIS-BAR SYNDROME; Cerebello-oculocutaneous telangiectasia; Immunodeficiency with ataxia telangiectasia; Ataxia telangiectasia (A-T); Ataxia-telangiectasia, complementation group D; AT, COMPLEMENTATION GROUP C. Identifiers: Orphanet 100, MedGen C0004135, MONDO:0008840, OMIM 208900.

gnomAD v4.1: 1 of 1,610,472 alleles (0.000062%); no homozygotes.

Submission:

Labcorp Genetics (formerly Invitae), Labcorp
Classification: Uncertain significance for Ataxia-telangiectasia syndrome. Last evaluated: 2023-09-06. Review status: criteria provided, single submitter. Criteria: Invitae Variant Classification Sherloc (09022015). Collection method: clinical testing. Allele origin: germline.
Comment: In summary, the available evidence is currently insufficient to determine the role of this variant in disease. Therefore, it has been classified as a Variant of Uncertain Significance. An algorithm developed to predict the effect of missense changes on protein structure and function (PolyPhen-2) suggests that this variant is likely to be disruptive. This variant has not been reported in the literature in individuals affected with ATM-related conditions. This variant is not present in population databases (gnomAD no frequency). This sequence change replaces glutamic acid, which is acidic and polar, with glycine, which is neutral and non-polar, at codon 2880 of the ATM protein (p.Glu2880Gly).

NM_000051.4(ATM):c.8639A>G (p.Glu2880Gly)

Genes: ATM (ATM serine/threonine kinase; plus strand), C11orf65 (chromosome 11 open reading frame 65; minus strand). Cytogenetic location: 11q22.3.
Variant type: single nucleotide variant.
Coding change: c.8639A>G on transcript NM_000051.4 (MANE Select); coding-DNA position 8639, A replaced by G.
Protein change: p.Glu2880Gly; replaces glutamic acid 2880 with glycine.
Molecular consequence: missense variant. On other transcripts: intron variant (2).
Genome position (GRCh38, 1-based): chr11:108,347,333, A>G. VCF-style: chr11-108347333-A-G. GRCh37 (hg19) VCF-style: chr11-108218060-A-G.
Other names: c.8639A>G, p.Glu2880Gly (NM_001351834.2); c.641-38262T>C (NM_001330368.2); c.695-12041T>C (NM_001351110.2); short protein forms E2880G.
Identifiers: ClinVar variation 2758380 (VCV002758380.3), dbSNP rs999543786, ClinGen allele CA382520931.